The following is an entry in ClinVar:

ClinVar aggregate classification (germline): Likely pathogenic (1 of 4 stars; one submission).

Conditions:
Retinitis pigmentosa 25 (RP25). Identifiers: Orphanet 791, MedGen C1864446, MONDO:0011272, OMIM 602772.

Submission:

Natera, Inc.
Classification: Likely pathogenic for Retinitis pigmentosa type 25. Last evaluated: 2026-01-06. Review status: criteria provided, single submitter. Criteria: Natera Variant Classification Schema (03/2026). Collection method: clinical testing. Allele origin: germline.
Comment: The c.3568+2T>A variant in EYS is a canonical splice donor site variant predicted to affect pre-mRNA splicing, which may result in an abnormal transcript and altered protein product. This variant is expected to result in nonsense mediated decay, truncation, or a dysfunctional protein product. This variant is rare in the general population with a frequency below the threshold expected for the associated phenotype(s). Given the available evidence, this variant is classified as Likely Pathogenic.

NM_001142800.2(EYS):c.3568+2T>A

Gene: EYS (EGF-like photoreceptor maintenance factor; minus strand). Cytogenetic location: 6q12.
Variant type: single nucleotide variant.
Coding change: c.3568+2T>A on transcript NM_001142800.2 (MANE Select); the canonical splice donor site of the intron after coding-DNA position 3568, T replaced by A.
Molecular consequence: splice donor variant.
Genome position (GRCh38, 1-based): chr6:64,626,119, A>T on the plus strand (T>A on the coding strand, the complement: EYS is on the minus strand). VCF-style: chr6-64626119-A-T. GRCh37 (hg19) VCF-style: chr6-65336012-A-T.
Other names: c.3568+2T>A (NM_001292009.2).
Identifiers: ClinVar variation 4814631 (VCV004814631.1).
Genomic context (GRCh38, chr6:64,626,119, plus strand): 5'-CATTTACATAAACGTATATATTATTATATATGCAGTATGCTTATTATTTTTAAAATAATT[A>T]CCTGGTTGGCATTTGCAAACATATCCATTGATGTGATCTTCACAGTCTGCACCATGTAGA-3'